The following is an entry in ClinVar:

NM_000384.3(APOB):c.7853T>G (p.Ile2618Arg)

Gene: APOB (apolipoprotein B; minus strand). Cytogenetic location: 2p24.1.
Variant type: single nucleotide variant.
Coding change: c.7853T>G on transcript NM_000384.3 (MANE Select); coding-DNA position 7853, T replaced by G.
Protein change: p.Ile2618Arg; replaces isoleucine 2618 with arginine.
Molecular consequence: missense variant.
Genome position (GRCh38, 1-based): chr2:21,009,015, A>C on the plus strand (T>G on the coding strand, the complement: APOB is on the minus strand). VCF-style: chr2-21009015-A-C. GRCh37 (hg19) VCF-style: chr2-21231887-A-C.
Other names: short protein forms I2618R.
Identifiers: ClinVar variation 4789191 (VCV004789191.1).

ClinVar aggregate classification (germline): Uncertain significance (1 of 4 stars; one submission).

Conditions:
Familial hypobetalipoproteinemia 1. Also called: APOB-Related Familial Hypobetalipoproteinemia; Hypobetalipoproteinemia, normotriglyceridemic; Acanthocytosis with hypobetalipoproteinemia. Identifiers: MedGen C4551990, MONDO:0014252, OMIM 615558.
Hypercholesterolemia, autosomal dominant, type B (FHCL2). Also called: APOB-Related Familial Hypercholesterolemia, Autosomal Dominant; Familial hypercholesterolemia 2; Familial Hypercholesterolemia Type B; APOLIPOPROTEIN B-100, FAMILIAL DEFECTIVE; APOLIPOPROTEIN B-100, FAMILIAL LIGAND-DEFECTIVE; HYPERCHOLESTEROLEMIA, FAMILIAL, DUE TO LIGAND-DEFECTIVE APOLIPOPROTEIN B. Identifiers: MedGen C1704417, MONDO:0007751, OMIM 144010.

Submission:

Labcorp Genetics (formerly Invitae), Labcorp
Classification: Uncertain significance for Familial hypobetalipoproteinemia 1; Hypercholesterolemia, autosomal dominant, type B. Last evaluated: 2025-11-12. Review status: criteria provided, single submitter. Criteria: Invitae Variant Classification Sherloc (09022015). Collection method: clinical testing. Allele origin: germline.
Comment: This sequence change replaces isoleucine, which is neutral and non-polar, with arginine, which is basic and polar, at codon 2618 of the APOB protein (p.Ile2618Arg). This variant is present in population databases (no rsID available, gnomAD 0.0009%). This missense change has been observed in individual(s) with clinical features of familial hypercholesterolemia (internal data). Invitae Evidence Modeling of protein sequence and biophysical properties (such as structural, functional, and spatial information, amino acid conservation, physicochemical variation, residue mobility, and thermodynamic stability) indicates that this missense variant is not expected to disrupt APOB protein function with a negative predictive value of 95%. In summary, the available evidence is currently insufficient to determine the role of this variant in disease. Therefore, it has been classified as a Variant of Uncertain Significance.